The following is an entry in ClinVar:

NM_000202.8(IDS):c.242A>G (p.Gln81Arg)

Gene: IDS (iduronate 2-sulfatase; minus strand). Cytogenetic location: Xq28.
Variant type: single nucleotide variant.
Coding change: c.242A>G on transcript NM_000202.8 (MANE Select); coding-DNA position 242, A replaced by G.
Protein change: p.Gln81Arg; replaces glutamine 81 with arginine.
Molecular consequence: missense variant. On other transcripts: non-coding transcript variant (1), intron variant (1).
Genome position (GRCh38, 1-based): chrX:149,503,488, T>C on the plus strand (A>G on the coding strand, the complement: IDS is on the minus strand). VCF-style: chrX-149503488-T-C. GRCh37 (hg19) VCF-style: chrX-148585018-T-C.
Other names: c.242A>G, p.Gln81Arg (NM_006123.5); c.15-43A>G (NM_001166550.4); short protein forms Q81R.
Identifiers: ClinVar variation 3255624 (VCV003255624.2).

ClinVar aggregate classification (germline): Pathogenic (1 of 4 stars; one submission).

Conditions:
Mucopolysaccharidosis, MPS-II (MPS2). Also called: Hunter Syndrome; IDURONATE 2-SULFATASE DEFICIENCY; Mucopolysaccharidosis Type II; Mucopolysaccharidosis type 2; Attenuated MPS (subtype; formerly known as mild MPS II); Severe MPS II. Identifiers: Orphanet 580, Orphanet 79388, MedGen C0026705, MONDO:0010674, OMIM 309900.

Submission:

Laboratory of Diagnosis and Therapy of Lysosomal Disorders, University of Padova
Classification: Pathogenic for Mucopolysaccharidosis, MPS-II. Last evaluated: 2024-06-07. Review status: criteria provided, single submitter. Criteria: ACMG Guidelines, 2015. Collection method: literature only. Allele origin: germline. Affected: yes. Observed: 1 variant allele.
Comment: In vitro or in vivo functional studies supportive of a damaging effect (PS3_Strong), Absent from controls (or at low frequency) in gnomAD database (PM2_Moderate), Missense variant in a gene with a low rate of benign missense variation (PP2_Supporting), Multiple lines of computational evidence support a deleterious effect (PP3_Supporting), Patient’s phenotype or family history highly specific for the disease (PP4_Strong)

Classification method: ACMG Guidelines [PMID:25741868] with modifications

Literature cited by the submitters: PubMed 30639582.